The following is an entry in ClinVar:

NM_000400.4(ERCC2):c.824A>G (p.Glu275Gly)

Gene: ERCC2 (ERCC excision repair 2, TFIIH core complex helicase subunit; minus strand). Cytogenetic location: 19q13.32.
Variant type: single nucleotide variant.
Coding change: c.824A>G on transcript NM_000400.4 (MANE Select); coding-DNA position 824, A replaced by G.
Protein change: p.Glu275Gly; replaces glutamic acid 275 with glycine.
Molecular consequence: missense variant.
Genome position (GRCh38, 1-based): chr19:45,364,111, T>C on the plus strand (A>G on the coding strand, the complement: ERCC2 is on the minus strand). VCF-style: chr19-45364111-T-C. GRCh37 (hg19) VCF-style: chr19-45867369-T-C.
Other names: c.752A>G, p.Glu251Gly (NM_001130867.2); short protein forms E251G, E275G.
Identifiers: ClinVar variation 2586785 (VCV002586785.2), dbSNP rs2514030284, ClinGen allele CA406373845.

ClinVar aggregate classification (germline): Uncertain significance (1 of 4 stars; one submission).

Conditions:
Inborn genetic diseases. Identifiers: MedGen C0950123, MeSH D030342.

Submission:

Ambry Genetics
Classification: Uncertain significance for Inborn genetic diseases. Last evaluated: 2023-07-29. Review status: criteria provided, single submitter. Criteria: Ambry Variant Classification Scheme 2023. Collection method: clinical testing. Allele origin: germline.
Comment: The p.E275G variant (also known as c.824A>G), located in coding exon 10 of the ERCC2 gene, results from an A to G substitution at nucleotide position 824. The glutamic acid at codon 275 is replaced by glycine, an amino acid with similar properties. This amino acid position is conserved. In addition, the in silico prediction for this alteration is inconclusive. Since supporting evidence is limited at this time, the clinical significance of this alteration remains unclear.